The following is an entry in ClinVar:

ClinVar aggregate classification (germline): Uncertain significance (1 of 4 stars; one submission).

Allele frequency attached by ClinVar (database versions not stated): ExAC 0.00005; gnomAD exomes 0.00005; gnomAD 0.00007 and 0.00008; ESP Exome Variant Server 0.00008; TOPMed 0.00014.
gnomAD v4.1: 81 of 1,613,716 alleles (0.005%); highest among the groups gnomAD compares: African/African-American, 0.025%; no homozygotes.

Submission:

Labcorp Genetics (formerly Invitae), Labcorp
Classification: Uncertain significance. Last evaluated: 2025-03-30. Review status: criteria provided, single submitter. Criteria: Invitae Variant Classification Sherloc (09022015). Collection method: clinical testing. Allele origin: germline.
Comment: This sequence change replaces arginine, which is basic and polar, with histidine, which is basic and polar, at codon 767 of the DDX58 protein (p.Arg767His). This variant is present in population databases (rs368263807, gnomAD 0.04%), and has an allele count higher than expected for a pathogenic variant. This variant has not been reported in the literature in individuals affected with DDX58-related conditions. ClinVar contains an entry for this variant (Variation ID: 1363692). Invitae Evidence Modeling of protein sequence and biophysical properties (such as structural, functional, and spatial information, amino acid conservation, physicochemical variation, residue mobility, and thermodynamic stability) indicates that this missense variant is not expected to disrupt DDX58 protein function with a negative predictive value of 80%. In summary, the available evidence is currently insufficient to determine the role of this variant in disease. Therefore, it has been classified as a Variant of Uncertain Significance.

NM_014314.4(RIGI):c.2300G>A (p.Arg767His)

Gene: RIGI (RNA sensor RIG-I; minus strand). Cytogenetic location: 9p21.1.
Variant type: single nucleotide variant.
Coding change: c.2300G>A on transcript NM_014314.4 (MANE Select); coding-DNA position 2300, G replaced by A.
Protein change: p.Arg767His; replaces arginine 767 with histidine.
Molecular consequence: missense variant.
Genome position (GRCh38, 1-based): chr9:32,466,327, C>T on the plus strand (G>A on the coding strand, the complement: RIGI is on the minus strand). VCF-style: chr9-32466327-C-T. GRCh37 (hg19) VCF-style: chr9-32466325-C-T.
Other names: c.2294G>A, p.Arg765His (NM_001385907.1); c.2129G>A, p.Arg710His (NM_001385909.1); c.1859G>A, p.Arg620His (NM_001385910.1); c.1691G>A, p.Arg564His (NM_001385912.1); c.2285G>A, p.Arg762His (NM_001385913.1); c.1856G>A, p.Arg619His (NM_001385914.1); short protein forms R710H, R762H, R564H, R619H, R765H, R767H, R620H.
Identifiers: ClinVar variation 1363692 (VCV001363692.6), dbSNP rs368263807, ClinGen allele CA5019541.